The following is an entry in ClinVar:

NM_025099.6(CTC1):c.1076C>T (p.Ser359Leu)

Gene: CTC1 (CST telomere replication complex component 1; minus strand). Cytogenetic location: 17p13.1.
Variant type: single nucleotide variant.
Coding change: c.1076C>T on transcript NM_025099.6 (MANE Select); coding-DNA position 1076, C replaced by T.
Protein change: p.Ser359Leu; replaces serine 359 with leucine.
Molecular consequence: missense variant. On other transcripts: non-coding transcript variant (1).
Genome position (GRCh38, 1-based): chr17:8,236,059, G>A on the plus strand (C>T on the coding strand, the complement: CTC1 is on the minus strand). VCF-style: chr17-8236059-G-A. GRCh37 (hg19) VCF-style: chr17-8139377-G-A.
Other names: short protein forms S359L.
Identifiers: ClinVar variation 569816 (VCV000569816.6), dbSNP rs561782597, ClinGen allele CA8372485.
Genomic context (GRCh38, chr17:8,236,059, plus strand): 5'-CCTCTTTGAAAACCCACATTTCTGGCCCCTCAAGCTCTAGGATCTCTCCCTGTGCTCACC[G>A]AATAGGATAGGAGTCTAGAATACCGGACAAGACTTTCTGGATCCTTCTTGTCCTCCGAGT-3'
Protein context (NP_079375.3, residues 349-369): LVRYSRLLSY[Ser359Leu]GAVTGVLNEP

ClinVar aggregate classification (germline): Uncertain significance (1 of 4 stars; one submission).

Conditions:
Dyskeratosis congenita. Identifiers: Orphanet 1775, MedGen C0265965, MONDO:0015780.

Allele frequency attached by ClinVar (database versions not stated): gnomAD exomes 0.00001; TOPMed 0.00002; ExAC 0.00003; gnomAD 0.00005.
gnomAD v4.1: 19 of 1,610,676 alleles (0.0012%); highest among the groups gnomAD compares: Middle Eastern, 0.016%; no homozygotes.

Submission:

Labcorp Genetics (formerly Invitae), Labcorp
Classification: Uncertain significance for Dyskeratosis congenita. Last evaluated: 2021-12-11. Review status: criteria provided, single submitter. Criteria: Invitae Variant Classification Sherloc (09022015). Collection method: clinical testing. Allele origin: germline.
Comment: This variant is present in population databases (rs561782597, gnomAD 0.004%). In summary, the available evidence is currently insufficient to determine the role of this variant in disease. Therefore, it has been classified as a Variant of Uncertain Significance. Algorithms developed to predict the effect of sequence changes on RNA splicing suggest that this variant may disrupt the consensus splice site. Algorithms developed to predict the effect of missense changes on protein structure and function output the following: SIFT: "Tolerated"; PolyPhen-2: "Benign"; Align-GVGD: "Class C0". The leucine amino acid residue is found in multiple mammalian species, which suggests that this missense change does not adversely affect protein function. ClinVar contains an entry for this variant (Variation ID: 569816). This variant has not been reported in the literature in individuals affected with CTC1-related conditions. This sequence change replaces serine, which is neutral and polar, with leucine, which is neutral and non-polar, at codon 359 of the CTC1 protein (p.Ser359Leu).